The following is an entry in ClinVar:

NM_005422.4(TECTA):c.6150C>A (p.Tyr2050Ter)

Genes: TBCEL-TECTA (TBCEL-TECTA readthrough; plus strand), TECTA (tectorin alpha; plus strand). Cytogenetic location: 11q23.3.
Variant type: single nucleotide variant.
Coding change: c.6150C>A on transcript NM_005422.4 (MANE Select); coding-DNA position 6150, C replaced by A.
Protein change: p.Tyr2050Ter; replaces tyrosine 2050 with a stop codon.
Molecular consequence: nonsense.
Genome position (GRCh38, 1-based): chr11:121,187,982, C>A. VCF-style: chr11-121187982-C-A. GRCh37 (hg19) VCF-style: chr11-121058691-C-A.
Other names: c.7092C>A, p.Tyr2364Ter (NM_001378761.1); short protein forms Y2050*, Y2364*.
Identifiers: ClinVar variation 2137274 (VCV002137274.10), dbSNP rs374455045, ClinGen allele CA6327890.
Genomic context (GRCh38, chr11:121,187,982, plus strand): 5'-AGGGGATTACGACGAAGTTCACCTTCACTGTGCAGTGTCACTCTGCGACTCAGAAAAGTA[C>A]TCCTGTAAAATCGTAAGTGAGAGTGTGAAAACAAAGTGCTTAGCCTTATTTCTCACTGTC-3'

ClinVar aggregate classification (germline): Pathogenic/Likely pathogenic. Review status: criteria provided, multiple submitters, no conflicts (2 of 4 stars). 6 submissions from 6 submitters: Pathogenic (3); Likely pathogenic (3). Last evaluated 2025-08-21.

Conditions:
Autosomal recessive nonsyndromic hearing loss 21. Identifiers: Orphanet 90636, MedGen C1863655, MONDO:0011351, OMIM 603629.
TECTA-related disorder. Also called: TECTA-related condition.

Allele frequency attached by ClinVar (database versions not stated): ExAC 0.00002; gnomAD exomes 0.00002; TOPMed 0.00002; gnomAD 0.00003; ESP Exome Variant Server 0.00008.
gnomAD v4.1: 39 of 1,614,014 alleles (0.0024%); highest among the groups gnomAD compares: Non-Finnish European, 0.003%; no homozygotes.

Submissions (6):

First Genomix Gene Laboratory, Genetic Diagnostics Department
Classification: Pathogenic for Autosomal recessive nonsyndromic hearing loss 21. Last evaluated: 2025-08-21. Review status: criteria provided, single submitter. Criteria: ACMG Guidelines, 2015. Collection method: clinical testing. Allele origin: germline. Inheritance: Autosomal recessive inheritance. Affected: no. Observed: 1 variant allele.

PreventionGenetics, part of Exact Sciences
Classification: Likely pathogenic for TECTA-related condition. Last evaluated: 2024-11-26. Review status: criteria provided, single submitter. Criteria: ACMG Guidelines, 2015. Collection method: clinical testing. Allele origin: germline.
Comment: The TECTA c.6150C>A variant is predicted to result in premature protein termination (p.Tyr2050*). This variant was reported along with a second potentially causative variant in two individuals with hearing loss (Table S3, Sloan-Heggen et al. 2016. PubMed ID: 26969326). This variant is reported in 0.0062% of alleles in individuals of African descent in gnomAD. Nonsense variants in TECTA are expected to be pathogenic. This variant is interpreted as likely pathogenic for autosomal recessive TECTA-related disorders.

GeneDx
Classification: Likely pathogenic. Last evaluated: 2024-11-11. Review status: criteria provided, single submitter. Criteria: GeneDx Variant Classification Process June 2021. Collection method: clinical testing. Allele origin: germline.
Comment: Nonsense variant predicted to result in protein truncation or nonsense mediated decay in a gene for which loss of function is a known mechanism of disease; This variant is associated with the following publications: (PMID: 26969326)

Blueprint Genetics
Classification: Likely pathogenic for TECTA-related disorders. Last evaluated: 2022-06-17. Review status: criteria provided, single submitter. Criteria: ACMG Guidelines, 2015. Collection method: clinical testing. Allele origin: germline. Affected: yes. Observed: 1 variant allele.

Labcorp Genetics (formerly Invitae), Labcorp
Classification: Pathogenic. Last evaluated: 2022-05-28. Review status: criteria provided, single submitter. Criteria: Invitae Variant Classification Sherloc (09022015). Collection method: clinical testing. Allele origin: germline.
Comment: This sequence change creates a premature translational stop signal (p.Tyr2050*) in the TECTA gene. It is expected to result in an absent or disrupted protein product. Loss-of-function variants in TECTA are known to be pathogenic (PMID: 11087000, 12746400, 17431902, 24130743). For these reasons, this variant has been classified as Pathogenic. This premature translational stop signal has been observed in individual(s) with non-syndromic deafness (PMID: 26969326). This variant is present in population databases (rs374455045, gnomAD 0.007%).

Victorian Clinical Genetics Services, Murdoch Childrens Research Institute
Classification: Pathogenic for Autosomal recessive nonsyndromic hearing loss 21. Last evaluated: 2020-10-19. Review status: criteria provided, single submitter. Criteria: ACMG Guidelines, 2015. Collection method: clinical testing. Allele origin: germline. Inheritance: Autosomal recessive inheritance. Affected: yes.
Comment: Based on the classification scheme VCGS_Germline_v1.1.1, this variant is classified as Pathogenic. Following criteria are met: 0102 - Loss-of-function is a known mechanism of disease for this gene causing the recessive condition. In addition, missense variants are proposed to exert a dominant negative mechanism for the dominant condition. (PMID: 27368438, 28946916). (N) 0108 - This gene is known to be associated with both recessive and dominant disease. Loss-of-function variants are associated with recessive disease while missense variants are generally autosomal dominant. However, exceptions to this rule have been reported (PMID: 27368438, 21520338, 20947814, 31554319). (N) 0201 - Variant is predicted to cause nonsense-mediated decay (NMD) and loss of protein (exon 20 of 23). (P) 0251 - Variant is heterozygous. (N) 0304 - Variant is present in gnomAD <0.01 for a recessive condition (2 heterozygotes, 0 homozygotes). (P) 0507 - Identified variant type is not compatible with in silico predictions of pathogenicity. (N) 0701 - Comparable NMD-predicted variants have very strong previous evidence for pathogenicity. (Clinvar, PMID: 27368438, 28946916, 31554319). (P) 0803 - Low previous evidence of pathogenicity in unrelated individuals. (PMID: 26969326). (P) 0905 - No segregation evidence has been identified for this variant. (N) 1007 - No published functional evidence has been identified for this variant. (N) Legend: (P) - Pathogenic, (N) - Neutral, (B) – Benign

Literature cited by the submitters: PubMed 11087000 (cited by Labcorp Genetics (formerly Invitae), Labcorp); PubMed 12746400 (cited by Labcorp Genetics (formerly Invitae), Labcorp); PubMed 17431902 (cited by Labcorp Genetics (formerly Invitae), Labcorp); PubMed 24130743 (cited by Labcorp Genetics (formerly Invitae), Labcorp); PubMed 26969326 (cited by Labcorp Genetics (formerly Invitae), Labcorp and Victorian Clinical Genetics Services, Murdoch Childrens Research Institute); PubMed 20947814 (cited by Victorian Clinical Genetics Services, Murdoch Childrens Research Institute); PubMed 21520338 (cited by Victorian Clinical Genetics Services, Murdoch Childrens Research Institute); PubMed 27368438 (cited by Victorian Clinical Genetics Services, Murdoch Childrens Research Institute); PubMed 28946916 (cited by Victorian Clinical Genetics Services, Murdoch Childrens Research Institute); PubMed 31554319 (cited by Victorian Clinical Genetics Services, Murdoch Childrens Research Institute).